The following is an entry in ClinVar:

ClinVar aggregate classification (germline): Uncertain significance (1 of 4 stars; one submission).

Submission:

Labcorp Genetics (formerly Invitae), Labcorp
Classification: Uncertain significance. Last evaluated: 2026-01-24. Review status: criteria provided, single submitter. Criteria: Invitae Variant Classification Sherloc (09022015). Collection method: clinical testing. Allele origin: germline.
Comment: This sequence change replaces proline, which is neutral and non-polar, with threonine, which is neutral and polar, at codon 917 of the COL2A1 protein (p.Pro917Thr). This variant is not present in population databases (gnomAD no frequency). This variant has not been reported in the literature in individuals affected with COL2A1-related conditions. Invitae Evidence Modeling of protein sequence and biophysical properties (such as structural, functional, and spatial information, amino acid conservation, physicochemical variation, residue mobility, and thermodynamic stability) indicates that this missense variant is not expected to disrupt COL2A1 protein function with a negative predictive value of 95%. In summary, the available evidence is currently insufficient to determine the role of this variant in disease. Therefore, it has been classified as a Variant of Uncertain Significance.

NM_001844.5(COL2A1):c.2749C>A (p.Pro917Thr)

Gene: COL2A1 (collagen type II alpha 1 chain; minus strand). Cytogenetic location: 12q13.11.
Variant type: single nucleotide variant.
Coding change: c.2749C>A on transcript NM_001844.5 (MANE Select); coding-DNA position 2749, C replaced by A.
Protein change: p.Pro917Thr; replaces proline 917 with threonine.
Molecular consequence: missense variant.
Genome position (GRCh38, 1-based): chr12:47,978,743, G>T on the plus strand (C>A on the coding strand, the complement: COL2A1 is on the minus strand). VCF-style: chr12-47978743-G-T. GRCh37 (hg19) VCF-style: chr12-48372526-G-T.
Other names: c.2542C>A, p.Pro848Thr (NM_033150.3); short protein forms P917T, P848T.
Identifiers: ClinVar variation 4747058 (VCV004747058.1).
Genomic context (GRCh38, chr12:47,978,743, plus strand): 5'-GGCCGCTGTCTCCTCGAGCACCTTTGGGACCATCTTTTCCAGAAGGACCAGGGGGACCAG[G>T]GGGTCCAGGGTTGCCCTAGAAGGAGAAAATGCGGGAAGTGAGGACTCATCTCACCCTTCC-3'
Protein context (NP_001835.3, residues 907-927): PPGSNGNPGP[Pro917Thr]GPPGPSGKDG